The following is an entry in ClinVar:

ClinVar aggregate classification (germline): Uncertain significance (1 of 4 stars; one submission).

gnomAD v4.1: 4 of 1,614,036 alleles (0.00025%); highest among the groups gnomAD compares: African/African-American, 0.0053%; no homozygotes.

Submission:

Labcorp Genetics (formerly Invitae), Labcorp
Classification: Uncertain significance. Last evaluated: 2024-05-19. Review status: criteria provided, single submitter. Criteria: Invitae Variant Classification Sherloc (09022015). Collection method: clinical testing. Allele origin: germline.
Comment: This sequence change replaces glutamic acid, which is acidic and polar, with glutamine, which is neutral and polar, at codon 764 of the ALPK1 protein (p.Glu764Gln). The frequency data for this variant in the population databases is considered unreliable, as metrics indicate poor data quality at this position in the gnomAD database. This variant has not been reported in the literature in individuals affected with ALPK1-related conditions. Advanced modeling of protein sequence and biophysical properties (such as structural, functional, and spatial information, amino acid conservation, physicochemical variation, residue mobility, and thermodynamic stability) performed at Invitae indicates that this missense variant is not expected to disrupt ALPK1 protein function with a negative predictive value of 80%. In summary, the available evidence is currently insufficient to determine the role of this variant in disease. Therefore, it has been classified as a Variant of Uncertain Significance.

NM_025144.4(ALPK1):c.2290G>C (p.Glu764Gln)

Gene: ALPK1 (alpha kinase 1; plus strand). Cytogenetic location: 4q25.
Variant type: single nucleotide variant.
Coding change: c.2290G>C on transcript NM_025144.4 (MANE Select); coding-DNA position 2290, G replaced by C.
Protein change: p.Glu764Gln; replaces glutamic acid 764 with glutamine.
Molecular consequence: missense variant.
Genome position (GRCh38, 1-based): chr4:112,431,837, G>C. VCF-style: chr4-112431837-G-C. GRCh37 (hg19) VCF-style: chr4-113352993-G-C.
Other names: c.2290G>C, p.Glu764Gln (NM_001102406.2); c.2056G>C, p.Glu686Gln (NM_001253884.2); short protein forms E764Q, E686Q.
Identifiers: ClinVar variation 3665064 (VCV003665064.2).
Genomic context (GRCh38, chr4:112,431,837, plus strand): 5'-TTTGAAATAATTGTTGAGTTTCCAGAAACCAACTGCGATGTCAAAGACAGGCAGGGGAAA[G>C]AGCAGGGAGAAGAAATTAGTGAAAGAGGCGCAGGCCCTACATTTAAAGCTAGTCCCTCCT-3'
Protein context (NP_079420.3, residues 754-774): NCDVKDRQGK[Glu764Gln]QGEEISERGA